The following is an entry in ClinVar:

ClinVar aggregate classification (germline): Pathogenic (1 of 4 stars; one submission).

Submission:

Labcorp Genetics (formerly Invitae), Labcorp
Classification: Pathogenic. Last evaluated: 2022-10-10. Review status: criteria provided, single submitter. Criteria: Invitae Variant Classification Sherloc (09022015). Collection method: clinical testing. Allele origin: germline.
Comment: This variant is a gross deletion of the genomic region encompassing exon(s) 17-19 of the MTTP gene, which includes the termination codon. This deletion extends beyond the assayed region for this gene and therefore may encompass additional genes. While this deletion is not anticipated to lead to nonsense mediated decay, it is expected to alter mRNA translation or result in a truncated protein product. This variant has not been reported in the literature in individuals affected with MTTP-related conditions. This variant disrupts a region of the MTTP protein in which other variant(s) (p.Gly865*) have been determined to be pathogenic (PMID: 7782284, 8533758, 10679949, 17275380, 20592474, 27271787). This suggests that this is a clinically significant region of the protein, and that variants that disrupt it are likely to be disease-causing. For these reasons, this variant has been classified as Pathogenic.

Literature cited by the submitters: PubMed 7782284; PubMed 8533758; PubMed 10679949; PubMed 17275380; PubMed 20592474; PubMed 27271787.

NC_000004.12:g.(?_99618964)_(99622858_?)del

Gene: MTTP (microsomal triglyceride transfer protein; plus strand). Cytogenetic location: 4q23.
Variant type: Deletion.
Identifiers: ClinVar variation 832755 (VCV000832755.2).